The following is an entry in ClinVar:

ClinVar aggregate classification (germline): not provided (0 of 4 stars; one submission).

Conditions:
Preeclampsia. Identifiers: Orphanet 275555, MedGen C0032914, MONDO:0005081, HP:0100602.

Submission:

Institute of Molecular and Cell Biology, University of Tartu
No classification provided. Condition: Preeclampsia. Review status: no classification provided. Collection method: case-control. Allele origin: unknown. Affected: yes. Study: Kasak2014.
Comment: The study aimed to determine the contribution of copy number variants in the genetic etiology of normal and complicated pregnancies. The samples represented (i) maternal blood DNA drawn from healthy pregnant women during 1st or 2nd trimester and (ii) maternal and paternal blood DNA drawn at term pregnancy cases representing normal and complicated gestations (severe preeclampsia, PE; gestational diabetes, GD; small-for-gestational age newborn, SGA; large-for-gestational age newborn, LGA). We performed CNV calling based on genome-wide genotyping dataset (Illumina HumanOmniExpress-24-v1 BeadChip) by applying three algorithms, QuantiSNP, GADA (Genome Alteration Detection Algorithm) and CNstream in parallel. The acquired CNV calls were merged with HD-CNV (Hotspot Detector for Copy Number Variants) program and only the CNVs predicted by at least two programs, were considered in subsequent analysis.

Literature cited by the submitters: PubMed 25666259.

Single allele

Variant type: Deletion.
Identifiers: ClinVar variation 157168 (VCV000157168.2).